The following is an entry in ClinVar:

NM_003059.3(SLC22A4):c.1500T>C (p.Ile500=)

Genes: MIR3936HG (MIR3936 host gene; minus strand), SLC22A4 (solute carrier family 22 member 4; plus strand). Cytogenetic location: 5q31.1.
Variant type: single nucleotide variant.
Coding change: c.1500T>C on transcript NM_003059.3 (MANE Select); coding-DNA position 1500, T replaced by C.
Protein change: p.Ile500=; no amino-acid change (isoleucine 500 retained).
Molecular consequence: synonymous variant.
Genome position (GRCh38, 1-based): chr5:132,340,620, T>C. VCF-style: chr5-132340620-T-C. GRCh37 (hg19) VCF-style: chr5-131676313-T-C.
Identifiers: ClinVar variation 733605 (VCV000733605.34), dbSNP rs61731074, ClinGen allele CA3403708.
Genomic context (GRCh38, chr5:132,340,620, plus strand): 5'-TACAGGTGCTTACAACAGAATGCTGCCCTACATCGTCATGGGTAGTCTGACTGTCCTGAT[T>C]GGAATCCTCACCCTTTTTTTCCCTGAAAGTTTGGGAATGACTCTTCCAGAAACCTTAGAG-3'
Protein context (NP_003050.2, residues 490-510): YIVMGSLTVL[Ile500=]GILTLFFPES

ClinVar aggregate classification (germline): Benign/Likely benign. Review status: criteria provided, multiple submitters, no conflicts (2 of 4 stars). 4 submissions from 4 submitters: Benign (1); Likely benign (2). 1 of the submissions does not count toward it. Last evaluated 2026-01-05.

Conditions:
SLC22A4-related disorder. Also called: SLC22A4-related condition.

Allele frequency attached by ClinVar (database versions not stated): gnomAD exomes 0.00057; ExAC 0.00063; ESP Exome Variant Server 0.00208; gnomAD 0.00213 and 0.00222; TOPMed 0.00249; 1000 Genomes Project 30x 0.00297; 1000 Genomes Project 0.00319.
gnomAD v4.1: 660 of 1,613,928 alleles (0.041%); highest among the groups gnomAD compares: African/African-American, 0.79%; 1 homozygote.

Submissions (4):

Labcorp Genetics (formerly Invitae), Labcorp
Classification: Benign. Last evaluated: 2026-01-05. Review status: criteria provided, single submitter. Criteria: Invitae Variant Classification Sherloc (09022015). Collection method: clinical testing. Allele origin: germline.

Blueprint Genetics
Classification: Likely benign. Last evaluated: 2024-07-18. Review status: criteria provided, single submitter. Criteria: ACMG Guidelines, 2015. Collection method: clinical testing. Allele origin: germline.

CeGaT Center for Human Genetics Tuebingen
Classification: Likely benign. Last evaluated: 2022-07-01. Review status: criteria provided, single submitter. Criteria: CeGaT Center For Human Genetics Tuebingen Variant Classification Criteria Version 2. Collection method: clinical testing. Allele origin: germline. Affected: yes. Observed: 1 variant allele.
Comment: SLC22A4: BP4, BP7

PreventionGenetics, part of Exact Sciences
Classification: Likely benign for SLC22A4-related condition. Last evaluated: 2019-04-24. Review status: no assertion criteria provided. Collection method: clinical testing. Allele origin: germline. Not counted in ClinVar's aggregate classification.
Comment: This variant is classified as likely benign based on ACMG/AMP sequence variant interpretation guidelines (Richards et al. 2015 PMID: 25741868, with internal and published modifications).